The following is an entry in ClinVar:

NM_000138.5(FBN1):c.718C>A (p.Arg240Ser)

Gene: FBN1 (fibrillin 1; minus strand). Cytogenetic location: 15q21.1.
Variant type: single nucleotide variant.
Coding change: c.718C>A on transcript NM_000138.5 (MANE Select); coding-DNA position 718, C replaced by A.
Protein change: p.Arg240Ser; replaces arginine 240 with serine.
Molecular consequence: missense variant.
Genome position (GRCh38, 1-based): chr15:48,537,629, G>T on the plus strand (C>A on the coding strand, the complement: FBN1 is on the minus strand). VCF-style: chr15-48537629-G-T. GRCh37 (hg19) VCF-style: chr15-48829826-G-T.
Other names: short protein forms R240S.
Identifiers: ClinVar variation 1331455 (VCV001331455.2), dbSNP rs137854480, ClinGen allele CA392445815.
Genomic context (GRCh38, chr15:48,537,629, plus strand): 5'-AATAAGATTAATCCATTAATAATTCCATCAGCCCGGGTTTACCTTGACAAGCTCCCGTGC[G>T]GATATTTGGAATGAAGCCACGGCGGCAGGGGTGAGGCTGGGCAGGACACATCTCACAGGG-3'
Protein context (NP_000129.3, residues 230-250): PCRRGFIPNI[Arg240Ser]TGACQDVDEC

ClinVar aggregate classification (germline): Uncertain significance. Review status: criteria provided, multiple submitters, no conflicts (2 of 4 stars). 2 submissions from 2 submitters: Uncertain significance (2). Last evaluated 2024-05-13.

Conditions:
Familial thoracic aortic aneurysm and aortic dissection (TAAD). Also called: Thoracic aortic aneurysms and dissections. Identifiers: Orphanet 91387, MedGen C4707243, MONDO:0019625.

Submissions (2):

Color Diagnostics, LLC DBA Color Health
Classification: Uncertain significance for Familial thoracic aortic aneurysm and aortic dissection. Last evaluated: 2024-05-13. Review status: criteria provided, single submitter. Criteria: ACMG Guidelines, 2015. Collection method: clinical testing. Allele origin: germline.
Comment: This missense variant replaces arginine with serine at codon 240 of the FBN1 protein. Computational prediction tools indicate that this variant has a deleterious impact on protein structure and function. To our knowledge, functional studies have not been reported for this variant. This variant has not been reported in individuals affected with FBN1-related disorders in the literature. This variant has not been identified in the general population by the Genome Aggregation Database (gnomAD). The available evidence is insufficient to determine the role of this variant in disease conclusively. Therefore, this variant is classified as a Variant of Uncertain Significance.

Women's Health and Genetics/Laboratory Corporation of America, LabCorp
Classification: Uncertain significance. Last evaluated: 2021-12-20. Review status: criteria provided, single submitter. Criteria: LabCorp Variant Classification Summary - May 2015. Collection method: clinical testing. Allele origin: germline.
Comment: Variant summary: FBN1 c.718C>A (p.Arg240Ser) results in a non-conservative amino acid change in the encoded protein sequence. Four of five in-silico tools predict a damaging effect of the variant on protein function. The variant was absent in 251226 control chromosomes (gnomAD). The available data on variant occurrences in the general population are insufficient to allow any conclusion about variant significance. To our knowledge, no occurrence of c.718C>A in individuals affected with Marfan Syndrome and no experimental evidence demonstrating its impact on protein function have been reported. No clinical diagnostic laboratories have submitted clinical-significance assessments for this variant to ClinVar after 2014. Based on the evidence outlined above, the variant was classified as uncertain significance.